The following is an entry in ClinVar:

ClinVar aggregate classification (germline): Uncertain significance (1 of 4 stars; one submission).

Conditions:
EP300-related disorder. Also called: EP300-related disorders; EP300-related condition.

Submission:

PreventionGenetics, part of Exact Sciences
Classification: Uncertain significance for EP300-related condition. Last evaluated: 2026-05-12. Review status: criteria provided, single submitter. Criteria: ACMG Guidelines, 2015. Collection method: clinical testing. Allele origin: germline.
Comment: The EP300 c.5854A>T variant is predicted to result in the amino acid substitution p.Ile1952Phe. To our knowledge, this variant has not been reported in the literature or in a large population database (gnomAD), indicating this variant is rare. At this time, the clinical significance of this variant is uncertain due to the absence of conclusive functional and genetic evidence.

NM_001429.4(EP300):c.5854A>T (p.Ile1952Phe)

Gene: EP300 (EP300 lysine acetyltransferase; plus strand). Cytogenetic location: 22q13.2.
Variant type: single nucleotide variant.
Coding change: c.5854A>T on transcript NM_001429.4 (MANE Select); coding-DNA position 5854, A replaced by T.
Protein change: p.Ile1952Phe; replaces isoleucine 1952 with phenylalanine.
Molecular consequence: missense variant.
Genome position (GRCh38, 1-based): chr22:41,177,565, A>T. VCF-style: chr22-41177565-A-T. GRCh37 (hg19) VCF-style: chr22-41573569-A-T.
Other names: c.5776A>T, p.Ile1926Phe (NM_001362843.2); short protein forms I1926F, I1952F.
Identifiers: ClinVar variation 4977179 (VCV004977179.1).